The following is an entry in ClinVar:

NM_002635.4(SLC25A3):c.649A>G (p.Lys217Glu)

Gene: SLC25A3 (solute carrier family 25 member 3; plus strand). Cytogenetic location: 12q23.1.
Variant type: single nucleotide variant.
Coding change: c.649A>G on transcript NM_002635.4 (MANE Select); coding-DNA position 649, A replaced by G.
Protein change: p.Lys217Glu; replaces lysine 217 with glutamic acid.
Molecular consequence: missense variant.
Genome position (GRCh38, 1-based): chr12:98,599,962, A>G. VCF-style: chr12-98599962-A-G. GRCh37 (hg19) VCF-style: chr12-98993740-A-G.
Other names: c.652A>G, p.Lys218Glu (NM_005888.4); c.649A>G, p.Lys217Glu (NM_213611.3); short protein forms K218E, K217E.
Identifiers: ClinVar variation 2065872 (VCV002065872.4), dbSNP rs112661141, ClinGen allele CA242240680.

ClinVar aggregate classification (germline): Uncertain significance (1 of 4 stars; one submission).

Submission:

Labcorp Genetics (formerly Invitae), Labcorp
Classification: Uncertain significance. Last evaluated: 2022-11-07. Review status: criteria provided, single submitter. Criteria: Invitae Variant Classification Sherloc (09022015). Collection method: clinical testing. Allele origin: germline.
Comment: Algorithms developed to predict the effect of missense changes on protein structure and function are either unavailable or do not agree on the potential impact of this missense change (SIFT: "Tolerated"; PolyPhen-2: "Possibly Damaging"; Align-GVGD: "Class C0"). This variant has not been reported in the literature in individuals affected with SLC25A3-related conditions. This variant is not present in population databases (gnomAD no frequency). This sequence change replaces lysine, which is basic and polar, with glutamic acid, which is acidic and polar, at codon 218 of the SLC25A3 protein (p.Lys218Glu). In summary, the available evidence is currently insufficient to determine the role of this variant in disease. Therefore, it has been classified as a Variant of Uncertain Significance.